The following is an entry in ClinVar:

NM_001005361.3(DNM2):c.2108C>G (p.Ala703Gly)

Gene: DNM2 (dynamin 2; plus strand). Cytogenetic location: 19p13.2.
Variant type: single nucleotide variant.
Coding change: c.2108C>G on transcript NM_001005361.3 (MANE Select); coding-DNA position 2108, C replaced by G.
Protein change: p.Ala703Gly; replaces alanine 703 with glycine.
Molecular consequence: missense variant.
Genome position (GRCh38, 1-based): chr19:10,829,085, C>G. VCF-style: chr19-10829085-C-G. GRCh37 (hg19) VCF-style: chr19-10939761-C-G.
Other names: c.2108C>G, p.Ala703Gly (NM_001005360.3, NM_001190716.2); c.2096C>G, p.Ala699Gly (NM_001005362.3, NM_004945.4); short protein forms A703G, A699G.
Identifiers: ClinVar variation 3273226 (VCV003273226.3).

ClinVar aggregate classification (germline): Uncertain significance. Review status: criteria provided, multiple submitters, no conflicts (2 of 4 stars). 2 submissions from 2 submitters: Uncertain significance (2). Last evaluated 2024-05-14.

Conditions:
Charcot-Marie-Tooth disease dominant intermediate B (CMTDIB). Also called: CHARCOT-MARIE-TOOTH NEUROPATHY, DOMINANT INTERMEDIATE B; Charcot-Marie-Tooth disease dominant intermediate 1; CMT DI1; Charcot-Marie-Tooth disease dominant intermediate I. Identifiers: Orphanet 100044, Orphanet 228179, MedGen C1847902, MONDO:0011674, OMIM 606482.
Inborn genetic diseases. Identifiers: MedGen C0950123, MeSH D030342.

Submissions (2):

Ambry Genetics
Classification: Uncertain significance for Inborn genetic diseases. Last evaluated: 2024-05-14. Review status: criteria provided, single submitter. Criteria: Ambry Variant Classification Scheme 2023. Collection method: clinical testing. Allele origin: germline.

Labcorp Genetics (formerly Invitae), Labcorp
Classification: Uncertain significance for Charcot-Marie-Tooth disease dominant intermediate B. Last evaluated: 2024-02-24. Review status: criteria provided, single submitter. Criteria: Invitae Variant Classification Sherloc (09022015). Collection method: clinical testing. Allele origin: germline.
Comment: This sequence change replaces alanine, which is neutral and non-polar, with glycine, which is neutral and non-polar, at codon 703 of the DNM2 protein (p.Ala703Gly). This variant is not present in population databases (gnomAD no frequency). This variant has not been reported in the literature in individuals affected with DNM2-related conditions. Advanced modeling of protein sequence and biophysical properties (such as structural, functional, and spatial information, amino acid conservation, physicochemical variation, residue mobility, and thermodynamic stability) has been performed at Invitae for this missense variant, however the output from this modeling did not meet the statistical confidence thresholds required to predict the impact of this variant on DNM2 protein function. In summary, the available evidence is currently insufficient to determine the role of this variant in disease. Therefore, it has been classified as a Variant of Uncertain Significance.